The following is an entry in ClinVar:

NM_016642.4(SPTBN5):c.7839C>T (p.Pro2613=)

Gene: SPTBN5 (spectrin beta, non-erythrocytic 5; minus strand). Cytogenetic location: 15q15.1.
Variant type: single nucleotide variant.
Coding change: c.7839C>T on transcript NM_016642.4 (MANE Select); coding-DNA position 7839, C replaced by T.
Protein change: p.Pro2613=; no amino-acid change (proline 2613 retained).
Molecular consequence: synonymous variant.
Genome position (GRCh38, 1-based): chr15:41,860,735, G>A on the plus strand (C>T on the coding strand, the complement: SPTBN5 is on the minus strand). VCF-style: chr15-41860735-G-A. GRCh37 (hg19) VCF-style: chr15-42152933-G-A.
Identifiers: ClinVar variation 2645213 (VCV002645213.24), dbSNP rs567837153, ClinGen allele CA7502076.

ClinVar aggregate classification (germline): Likely benign (1 of 4 stars; one submission).

Allele frequency attached by ClinVar (database versions not stated): ExAC 0.00010; gnomAD 0.00016; TOPMed 0.00023; 1000 Genomes Project 30x 0.00047; 1000 Genomes Project 0.00060.
gnomAD v4.1: 82 of 1,596,226 alleles (0.0051%); highest among the groups gnomAD compares: South Asian, 0.049%; no homozygotes.

Submission:

CeGaT Center for Human Genetics Tuebingen
Classification: Likely benign. Last evaluated: 2022-10-01. Review status: criteria provided, single submitter. Criteria: CeGaT Center For Human Genetics Tuebingen Variant Classification Criteria Version 2. Collection method: clinical testing. Allele origin: germline. Affected: yes. Observed: 1 variant allele.
Comment: SPTBN5: BP4, BP7